The following is an entry in ClinVar:

ClinVar aggregate classification (germline): Uncertain significance. Review status: criteria provided, multiple submitters, no conflicts (2 of 4 stars). 2 submissions from 2 submitters: Uncertain significance (2). Last evaluated 2024-05-09.

Allele frequency attached by ClinVar (database versions not stated): TOPMed below 0.00001; gnomAD 0.00001.
gnomAD v4.1: 8 of 1,609,696 alleles (0.0005%); highest among the groups gnomAD compares: Non-Finnish European, 0.00068%; no homozygotes.

Submissions (2):

Mayo Clinic Laboratories, Mayo Clinic
Classification: Uncertain significance. Last evaluated: 2024-05-09. Review status: criteria provided, single submitter. Criteria: ACMG Guidelines, 2015. Collection method: clinical testing. Allele origin: germline. Observed: 1 variant allele.
Comment: BP4

Eurofins Ntd Llc (ga)
Classification: Uncertain significance. Last evaluated: 2018-09-11. Review status: criteria provided, single submitter. Criteria: EGL ClinVar v180209 classification definitions. Collection method: clinical testing. Allele origin: germline. Observed: 1 variant allele, 1 heterozygote.

NM_001267550.2(TTN):c.96054T>G (p.Asp32018Glu)

Genes: TTN (titin; minus strand), TTN-AS1 (TTN antisense RNA 1; plus strand), LOC126806421 (CDK7 strongly-dependent group 2 enhancer GRCh37_chr2:179407630-179408829; plus strand). Cytogenetic location: 2q31.2.
Variant type: single nucleotide variant.
Coding change: c.96054T>G on transcript NM_001267550.2 (MANE Select); coding-DNA position 96054, T replaced by G.
Protein change: p.Asp32018Glu; replaces aspartic acid 32018 with glutamic acid.
Molecular consequence: missense variant.
Genome position (GRCh38, 1-based): chr2:178,544,090, A>C on the plus strand (T>G on the coding strand, the complement: TTN is on the minus strand). VCF-style: chr2-178544090-A-C. GRCh37 (hg19) VCF-style: chr2-179408817-A-C.
Other names: p.Asp30377Glu; c.91131T>G, p.Asp30377Glu (NM_001256850.1); c.68859T>G, p.Asp22953Glu (NM_003319.4); c.88350T>G, p.Asp29450Glu (NM_133378.4); c.69234T>G, p.Asp23078Glu (NM_133432.3); c.69435T>G, p.Asp23145Glu (NM_133437.4); short protein forms D29450E, D32018E, D22953E, D23078E, D30377E, D23145E.
Identifiers: ClinVar variation 598666 (VCV000598666.6), dbSNP rs773714477, ClinGen allele CA60970431.
Genomic context (GRCh38, chr2:178,544,090, plus strand): 5'-TACAGACACCATCAAGCGCAAGGAGGCCCCAGCCCTGATGGTCACAGTCTTCTTTAGATC[A>C]TCTGCAAGCTCAAGATCTGGTATTTCTGGAAAGTTAATGACAAAATTTAATTAATTCATG-3'
Protein context (NP_001254479.2, residues 32008-32028): RIEIPDLELA[Asp32018Glu]DLKKTVTIRA